The following is an entry in ClinVar:

NM_003238.6(TGFB2):c.747A>G (p.Arg249=)

Gene: TGFB2 (transforming growth factor beta 2; plus strand). Cytogenetic location: 1q41.
Variant type: single nucleotide variant.
Coding change: c.747A>G on transcript NM_003238.6 (MANE Select); coding-DNA position 747, A replaced by G.
Protein change: p.Arg249=; no amino-acid change (arginine 249 retained).
Molecular consequence: synonymous variant. On other transcripts: non-coding transcript variant (2).
Genome position (GRCh38, 1-based): chr1:218,434,441, A>G. VCF-style: chr1-218434441-A-G. GRCh37 (hg19) VCF-style: chr1-218607783-A-G.
Other names: c.831A>G, p.Arg277= (NM_001135599.4); c.747A>G (NM_003238.4); c.831A>G (NM_001135599.3).
Identifiers: ClinVar variation 387890 (VCV000387890.17), dbSNP rs147960792, ClinGen allele CA1398591.
Genomic context (GRCh38, chr1:218,434,441, plus strand): 5'-CACTTTTGTACCATCTAATAATTACATCATCCCAAATAAAAGTGAAGAACTAGAAGCAAG[A>G]TTTGCAGGTAACCAAAACTTGGTCATATGAGGTGGGGGAGGGAAGGGTCTATATTGATAA-3'
Protein context (NP_003229.1, residues 239-259): IPNKSEELEA[Arg249=]FAGIDGTSTY

ClinVar aggregate classification (germline): Likely benign. Review status: criteria provided, multiple submitters, no conflicts (2 of 4 stars). 5 submissions from 5 submitters: Likely benign (4). 1 of the submissions does not count toward it. Last evaluated 2026-01-18.

Conditions:
TGFB2-related disorder. Also called: TGFB2-related condition.
Loeys-Dietz syndrome 4 (LDS4). Also called: ANEURYSM, AORTIC AND CEREBRAL, WITH ARTERIAL TORTUOSITY AND SKELETAL MANIFESTATIONS; TGFB2-Related Loeys-Dietz Syndrome. Identifiers: MedGen C3553762, MONDO:0013897, OMIM 614816.
Familial thoracic aortic aneurysm and aortic dissection (TAAD). Also called: Thoracic aortic aneurysms and dissections. Identifiers: Orphanet 91387, MedGen C4707243, MONDO:0019625.

Allele frequency attached by ClinVar (database versions not stated): gnomAD exomes 0.00003 and 0.00004; ExAC 0.00010; 1000 Genomes Project 0.00020; gnomAD 0.00029 and 0.00032; 1000 Genomes Project 30x 0.00031; TOPMed 0.00031; ESP Exome Variant Server 0.00054.
gnomAD v4.1: 92 of 1,607,940 alleles (0.0057%); highest among the groups gnomAD compares: African/African-American, 0.11%; no homozygotes.

Submissions (5):

Labcorp Genetics (formerly Invitae), Labcorp
Classification: Likely benign for Loeys-Dietz syndrome 4. Last evaluated: 2026-01-18. Review status: criteria provided, single submitter. Criteria: Invitae Variant Classification Sherloc (09022015). Collection method: clinical testing. Allele origin: germline.

Molecular Diagnostic Laboratory for Inherited Cardiovascular Disease, Montreal Heart Institute
Classification: Likely benign. Last evaluated: 2025-04-09. Review status: criteria provided, single submitter. Criteria: ACMG Guidelines, 2015. Collection method: clinical testing. Allele origin: germline. Affected: no.

Ambry Genetics
Classification: Likely benign for Familial thoracic aortic aneurysm and aortic dissection. Last evaluated: 2023-11-16. Review status: criteria provided, single submitter. Criteria: Ambry Variant Classification Scheme 2023. Collection method: clinical testing. Allele origin: germline.

GeneDx
Classification: Likely benign. Last evaluated: 2016-07-25. Review status: criteria provided, single submitter. Criteria: GeneDx Variant Classification (06012015). Collection method: clinical testing. Allele origin: germline. Affected: yes.
Comment: This variant is considered likely benign or benign based on one or more of the following criteria: it is a conservative change, it occurs at a poorly conserved position in the protein, it is predicted to be benign by multiple in silico algorithms, and/or has population frequency not consistent with disease.

PreventionGenetics, part of Exact Sciences
Classification: Likely benign for TGFB2-related condition. Last evaluated: 2022-05-27. Review status: no assertion criteria provided. Collection method: clinical testing. Allele origin: germline. Not counted in ClinVar's aggregate classification.
Comment: This variant is classified as likely benign based on ACMG/AMP sequence variant interpretation guidelines (Richards et al. 2015 PMID: 25741868, with internal and published modifications).